The following is an entry in ClinVar:

ClinVar aggregate classification (germline): Uncertain significance. Review status: criteria provided, multiple submitters, no conflicts (2 of 4 stars). 3 submissions from 3 submitters: Uncertain significance (3). Last evaluated 2025-07-24.

Conditions:
Inborn genetic diseases. Identifiers: MedGen C0950123, MeSH D030342.
SAMD9-related disorder. Also called: SAMD9-related condition.

gnomAD v4.1: 4 of 1,592,944 alleles (0.00025%); highest among the groups gnomAD compares: Admixed American, 0.0074%; no homozygotes.

Submissions (3):

PreventionGenetics, part of Exact Sciences
Classification: Uncertain significance for SAMD9-related condition. Last evaluated: 2025-07-24. Review status: criteria provided, single submitter. Criteria: ACMG Guidelines, 2015. Collection method: clinical testing. Allele origin: germline.
Comment: The SAMD9 c.43A>T variant is predicted to result in the amino acid substitution p.Thr15Ser. To our knowledge, this variant has not been reported in the literature. This variant is reported in 0.010% of alleles in individuals of Latino descent in gnomAD. At this time, the clinical significance of this variant is uncertain due to the absence of conclusive functional and genetic evidence.

Ambry Genetics
Classification: Uncertain significance for Inborn genetic diseases. Last evaluated: 2024-11-23. Review status: criteria provided, single submitter. Criteria: Ambry Variant Classification Scheme 2023. Collection method: clinical testing. Allele origin: germline.
Comment: The p.T15S variant (also known as c.43A>T), located in coding exon 1 of the SAMD9 gene, results from an A to T substitution at nucleotide position 43. The threonine at codon 15 is replaced by serine, an amino acid with similar properties. This amino acid position is conserved. In addition, this alteration is predicted to be tolerated by in silico analysis. Based on the available evidence, the clinical significance of this variant remains unclear.

GeneDx
Classification: Uncertain significance. Last evaluated: 2024-01-22. Review status: criteria provided, single submitter. Criteria: GeneDx Variant Classification Process June 2021. Collection method: clinical testing. Allele origin: germline. Affected: yes.
Comment: Not observed at significant frequency in large population cohorts (gnomAD); In silico analysis supports that this missense variant does not alter protein structure/function; Has not been previously published as pathogenic or benign to our knowledge

NM_017654.4(SAMD9):c.43A>T (p.Thr15Ser)

Gene: SAMD9 (sterile alpha motif domain containing 9; minus strand). Cytogenetic location: 7q21.2.
Variant type: single nucleotide variant.
Coding change: c.43A>T on transcript NM_017654.4 (MANE Select); coding-DNA position 43, A replaced by T.
Protein change: p.Thr15Ser; replaces threonine 15 with serine.
Molecular consequence: missense variant.
Genome position (GRCh38, 1-based): chr7:93,106,055, T>A on the plus strand (A>T on the coding strand, the complement: SAMD9 is on the minus strand). VCF-style: chr7-93106055-T-A. GRCh37 (hg19) VCF-style: chr7-92735368-T-A.
Other names: c.43A>T, p.Thr15Ser (NM_001193307.2); short protein forms T15S.
Identifiers: ClinVar variation 3368196 (VCV003368196.3).